The following is an entry in ClinVar:

ClinVar aggregate classification (germline): Uncertain significance (1 of 4 stars; one submission).

Conditions:
Neurofibromatosis, type 1 (NF1). Also called: Peripheral type neurofibromatosis; Neurofibromatosis, type I; VON RECKLINGHAUSEN DISEASE; NEUROFIBROMATOSIS, TYPE I, SOMATIC. Identifiers: Orphanet 636, MedGen C0027831, MONDO:0018975, OMIM 162200. Disease mechanism: loss of function.

Submission:

Labcorp Genetics (formerly Invitae), Labcorp
Classification: Uncertain significance for Neurofibromatosis, type 1. Last evaluated: 2020-01-31. Review status: criteria provided, single submitter. Criteria: Invitae Variant Classification Sherloc (09022015). Collection method: clinical testing. Allele origin: germline.
Comment: This sequence change replaces lysine with glutamic acid at codon 938 of the NF1 protein (p.Lys938Glu). The lysine residue is moderately conserved and there is a small physicochemical difference between lysine and glutamic acid. This variant is not present in population databases (ExAC no frequency). This variant has not been reported in the literature in individuals with NF1-related conditions. Algorithms developed to predict the effect of missense changes on protein structure and function (SIFT, PolyPhen-2, Align-GVGD) all suggest that this variant is likely to be tolerated, but these predictions have not been confirmed by published functional studies and their clinical significance is uncertain. In summary, the available evidence is currently insufficient to determine the role of this variant in disease. Therefore, it has been classified as a Variant of Uncertain Significance.

NM_001042492.3(NF1):c.2812A>G (p.Lys938Glu)

Gene: NF1 (neurofibromin 1; plus strand). Cytogenetic location: 17q11.2.
Variant type: single nucleotide variant.
Coding change: c.2812A>G on transcript NM_001042492.3 (MANE Select); coding-DNA position 2812, A replaced by G.
Protein change: p.Lys938Glu; replaces lysine 938 with glutamic acid.
Molecular consequence: missense variant.
Genome position (GRCh38, 1-based): chr17:31,229,427, A>G. VCF-style: chr17-31229427-A-G. GRCh37 (hg19) VCF-style: chr17-29556445-A-G.
Other names: c.2812A>G, p.Lys938Glu (NM_000267.4); short protein forms K938E.
Identifiers: ClinVar variation 1025543 (VCV001025543.5), dbSNP rs2067074174, ClinGen allele CA398985745.